The following is an entry in ClinVar:

ClinVar aggregate classification (germline): Uncertain significance. Review status: criteria provided, multiple submitters, no conflicts (2 of 4 stars). 2 submissions from 2 submitters: Uncertain significance (2). Last evaluated 2022-10-07.

Conditions:
Severe combined immunodeficiency due to DNA-PKcs deficiency. Also called: IMMUNODEFICIENCY 26 WITH NEUROLOGIC ABNORMALITIES; Immunodeficiency 26 with or without neurologic abnormalities. Identifiers: Orphanet 317425, MedGen C4014833, MONDO:0014423, OMIM 615966.

Allele frequency attached by ClinVar (database versions not stated): gnomAD exomes 0.00001; ExAC 0.00002; ESP Exome Variant Server 0.00008; gnomAD 0.00011 and 0.00012; TOPMed 0.00011.
gnomAD v4.1: 28 of 1,613,884 alleles (0.0017%); highest among the groups gnomAD compares: African/African-American, 0.031%; no homozygotes.

Submissions (2):

Labcorp Genetics (formerly Invitae), Labcorp
Classification: Uncertain significance for Severe combined immunodeficiency due to DNA-PKcs deficiency. Last evaluated: 2022-10-07. Review status: criteria provided, single submitter. Criteria: Invitae Variant Classification Sherloc (09022015). Collection method: clinical testing. Allele origin: germline.
Comment: This sequence change replaces serine, which is neutral and polar, with glycine, which is neutral and non-polar, at codon 3982 of the PRKDC protein (p.Ser3982Gly). This variant is present in population databases (rs374625875, gnomAD 0.02%). This variant has not been reported in the literature in individuals affected with PRKDC-related conditions. ClinVar contains an entry for this variant (Variation ID: 657989). In summary, the available evidence is currently insufficient to determine the role of this variant in disease. Therefore, it has been classified as a Variant of Uncertain Significance.

Breakthrough Genomics
Classification: Uncertain significance. Review status: criteria provided, single submitter. Criteria: ACMG Guidelines, 2015. Collection method: not provided. Allele origin: germline. Inheritance: Autosomal recessive inheritance. Affected: yes.

NM_006904.7(PRKDC):c.11944A>G (p.Ser3982Gly)

Gene: PRKDC (protein kinase, DNA-activated, catalytic subunit; minus strand). Cytogenetic location: 8q11.21.
Variant type: single nucleotide variant.
Coding change: c.11944A>G on transcript NM_006904.7 (MANE Select); coding-DNA position 11944, A replaced by G.
Protein change: p.Ser3982Gly; replaces serine 3982 with glycine.
Molecular consequence: missense variant.
Genome position (GRCh38, 1-based): chr8:47,777,784, T>C on the plus strand (A>G on the coding strand, the complement: PRKDC is on the minus strand). VCF-style: chr8-47777784-T-C. GRCh37 (hg19) VCF-style: chr8-48690345-T-C.
Other names: c.11851A>G, p.Ser3951Gly (NM_001081640.2); short protein forms S3951G, S3982G.
Identifiers: ClinVar variation 657989 (VCV000657989.5), dbSNP rs374625875, ClinGen allele CA4738948.
Genomic context (GRCh38, chr8:47,777,784, plus strand): 5'-TGGTGTTGGTGAGCAGGCCAGGGTCTGAGCGGAAGGCCCGGAGTGCGTGTACCATGATGC[T>C]GTACATAAGGCCCGTTTCTTTCATTGGTAACATCAGATTGATAAACTGGCGAGTTAGCCG-3'
Protein context (NP_008835.5, residues 3972-3992): LPMKETGLMY[Ser3982Gly]IMVHALRAFR